The following is an entry in ClinVar:

ClinVar aggregate classification (germline): Uncertain significance. Review status: criteria provided, multiple submitters, no conflicts (2 of 4 stars). 3 submissions from 3 submitters: Uncertain significance (3). Last evaluated 2025-08-13.

Conditions:
Pheochromocytoma. Also called: MAX-Related Hereditary Paraganglioma-Pheochromocytoma Syndrome. Identifiers: Orphanet 29072, MedGen C0031511, MONDO:0008233, OMIM 171300, HP:0002666.
Charcot-Marie-Tooth disease type 2. Also called: Charcot-Marie-Tooth type 2. Identifiers: Orphanet 64746, MedGen C0270914, MONDO:0018993.

Allele frequency attached by ClinVar (database versions not stated): ExAC 0.00001; TOPMed 0.00001; gnomAD exomes 0.00001.
gnomAD v4.1: 12 of 1,614,094 alleles (0.00074%); highest among the groups gnomAD compares: Non-Finnish European, 0.00093%; no homozygotes.

Submissions (3):

Labcorp Genetics (formerly Invitae), Labcorp
Classification: Uncertain significance for Charcot-Marie-Tooth disease type 2. Last evaluated: 2025-08-13. Review status: criteria provided, single submitter. Criteria: Invitae Variant Classification Sherloc (09022015). Collection method: clinical testing. Allele origin: germline.
Comment: This sequence change replaces glutamic acid, which is acidic and polar, with lysine, which is basic and polar, at codon 1516 of the KIF1B protein (p.Glu1516Lys). This variant is present in population databases (rs761322006, gnomAD 0.01%). This variant has not been reported in the literature in individuals affected with KIF1B-related conditions. ClinVar contains an entry for this variant (Variation ID: 945019). An algorithm developed to predict the effect of missense changes on protein structure and function (PolyPhen-2) suggests that this variant is likely to be tolerated. In summary, the available evidence is currently insufficient to determine the role of this variant in disease. Therefore, it has been classified as a Variant of Uncertain Significance.

Ambry Genetics
Classification: Uncertain significance. Last evaluated: 2024-07-05. Review status: criteria provided, single submitter. Criteria: Ambry Variant Classification Scheme 2023. Collection method: clinical testing. Allele origin: germline.
Comment: The p.E1516K variant (also known as c.4546G>A), located in coding exon 40 of the KIF1B gene, results from a G to A substitution at nucleotide position 4546. The glutamic acid at codon 1516 is replaced by lysine, an amino acid with similar properties. This amino acid position is highly conserved in available vertebrate species. In addition, the in silico prediction for this alteration is inconclusive. The evidence for this gene-disease relationship is limited; therefore, the clinical significance of this alteration is unclear.

Molecular Pathology, Peter Maccallum Cancer Centre
Classification: Uncertain significance for Pheochromocytoma. Last evaluated: 2024-02-12. Review status: criteria provided, single submitter. Criteria: ACMG Guidelines, 2015. Collection method: clinical testing. Allele origin: germline. Inheritance: Autosomal dominant inheritance.

NM_001365951.3(KIF1B):c.4684G>A (p.Glu1562Lys)

Gene: KIF1B (kinesin family member 1B; plus strand). Cytogenetic location: 1p36.22.
Variant type: single nucleotide variant.
Coding change: c.4684G>A on transcript NM_001365951.3 (MANE Select); coding-DNA position 4684, G replaced by A.
Protein change: p.Glu1562Lys; replaces glutamic acid 1562 with lysine.
Molecular consequence: missense variant.
Genome position (GRCh38, 1-based): chr1:10,365,580, G>A. VCF-style: chr1-10365580-G-A. GRCh37 (hg19) VCF-style: chr1-10425638-G-A.
Other names: c.4684G>A, p.Glu1562Lys (NM_001365952.1); c.4546G>A, p.Glu1516Lys (NM_015074.3); short protein forms E1562K, E1516K.
Identifiers: ClinVar variation 945019 (VCV000945019.14), dbSNP rs761322006, ClinGen allele CA582149.
Genomic context (GRCh38, chr1:10,365,580, plus strand): 5'-TCCACCAGTATCTCCTCTCAGATCTCAACCACTACCTTTGAAAGCGCCATCACACCTAGC[G>A]AGAGCAGTGGCTATGATTCAGGAGACATCGAAAGCCTGGTGGACCGAGAGAAAGAGCTGG-3'
Protein context (NP_001352880.1, residues 1552-1572): TTFESAITPS[Glu1562Lys]SSGYDSGDIE